The following is an entry in ClinVar:

NM_005236.3(ERCC4):c.1201C>T (p.Leu401Phe)

Gene: ERCC4 (ERCC excision repair 4, endonuclease catalytic subunit; plus strand). Cytogenetic location: 16p13.12.
Variant type: single nucleotide variant.
Coding change: c.1201C>T on transcript NM_005236.3 (MANE Select); coding-DNA position 1201, C replaced by T.
Protein change: p.Leu401Phe; replaces leucine 401 with phenylalanine.
Molecular consequence: missense variant.
Genome position (GRCh38, 1-based): chr16:13,934,290, C>T. VCF-style: chr16-13934290-C-T. GRCh37 (hg19) VCF-style: chr16-14028147-C-T.
Other names: short protein forms L401F.
Identifiers: ClinVar variation 967171 (VCV000967171.9), dbSNP rs147458778, ClinGen allele CA7910410.

ClinVar aggregate classification (germline): Uncertain significance. Review status: criteria provided, multiple submitters, no conflicts (2 of 4 stars). 4 submissions from 4 submitters: Uncertain significance (4). Last evaluated 2026-02-11.

Conditions:
Cockayne syndrome. Identifiers: Orphanet 191, MedGen C0009207, MONDO:0016006.
Xeroderma pigmentosum, group F (XPF). Also called: XERODERMA PIGMENTOSUM, TYPE F; Xeroderma pigmentosum, type 6; XERODERMA PIGMENTOSUM VI; XP, GROUP F; XERODERMA PIGMENTOSUM, COMPLEMENTATION GROUP F; ERCC4-Related Xeroderma Pigmentosum. Identifiers: MedGen C0268140, MONDO:0010215, OMIM 278760.
Fanconi anemia complementation group Q. Identifiers: Orphanet 84, MedGen C3808988, MONDO:0014108, OMIM 615272.

Allele frequency attached by ClinVar (database versions not stated): TOPMed 0.00004; gnomAD exomes 0.00005 and 0.00009; ExAC 0.00007; ESP Exome Variant Server 0.00008; gnomAD 0.00008 and 0.00009.

Submissions (4):

St. Jude Molecular Pathology, St. Jude Children's Research Hospital
Classification: Uncertain significance for Xeroderma pigmentosum, group F. Last evaluated: 2026-02-11. Review status: criteria provided, single submitter. Criteria: St. Jude Assertion Criteria 2020. Collection method: clinical testing. Allele origin: germline.
Comment: The ERCC4 c.1201C>T p.(Leu401Phe) missense change has a maximum subpopulation frequency of 0.01% in gnomAD v2.1.1. The in silico tool REVEL predicts a benign effect on protein function, but to our knowledge this prediction has not been confirmed by functional studies. To our knowledge, this variant has not been reported in the literature in individuals with Fanconi anemia or Xeroderma pigmentosum. In summary, the evidence currently available is insufficient to determine the clinical significance of this variant. It has therefore been classified as of uncertain significance.

Labcorp Genetics (formerly Invitae), Labcorp
Classification: Uncertain significance for Fanconi anemia complementation group Q; Xeroderma pigmentosum, group F; Cockayne syndrome. Last evaluated: 2024-01-02. Review status: criteria provided, single submitter. Criteria: Invitae Variant Classification Sherloc (09022015). Collection method: clinical testing. Allele origin: germline.
Comment: This sequence change replaces leucine, which is neutral and non-polar, with phenylalanine, which is neutral and non-polar, at codon 401 of the ERCC4 protein (p.Leu401Phe). This variant is present in population databases (rs147458778, gnomAD 0.01%). This missense change has been observed in individual(s) with lung cancer and two individuals affected with pancreatic adenocarcinoma (PMID: 16550608, 28767289). ClinVar contains an entry for this variant (Variation ID: 967171). Advanced modeling of protein sequence and biophysical properties (such as structural, functional, and spatial information, amino acid conservation, physicochemical variation, residue mobility, and thermodynamic stability) has been performed at Invitae for this missense variant, however the output from this modeling did not meet the statistical confidence thresholds required to predict the impact of this variant on ERCC4 protein function. In summary, the available evidence is currently insufficient to determine the role of this variant in disease. Therefore, it has been classified as a Variant of Uncertain Significance.

Institute for Clinical Genetics, University Hospital TU Dresden, University Hospital TU Dresden
Classification: Uncertain significance. Last evaluated: 2021-11-03. Review status: criteria provided, single submitter. Criteria: ACMG Guidelines, 2015. Collection method: clinical testing. Allele origin: germline.

Blueprint Genetics
Classification: Uncertain significance. Last evaluated: 2019-02-08. Review status: criteria provided, single submitter. Criteria: ACMG Guidelines, 2015. Collection method: clinical testing. Allele origin: germline.

Literature cited by the submitters: PubMed 16550608 (cited by Labcorp Genetics (formerly Invitae), Labcorp); PubMed 28767289 (cited by Labcorp Genetics (formerly Invitae), Labcorp).